The following is an entry in ClinVar:

ClinVar aggregate classification (germline): Likely benign (1 of 4 stars; one submission).

Submission:

CeGaT Center for Human Genetics Tuebingen
Classification: Likely benign. Last evaluated: 2022-08-01. Review status: criteria provided, single submitter. Criteria: CeGaT Center For Human Genetics Tuebingen Variant Classification Criteria Version 2. Collection method: clinical testing. Allele origin: germline. Affected: yes. Observed: 1 variant allele.
Comment: TNFRSF1A: PM2:Supporting, BP4, BP7

NM_001065.4(TNFRSF1A):c.1296C>G (p.Gly432=)

Gene: TNFRSF1A (TNF receptor superfamily member 1A; minus strand). Cytogenetic location: 12p13.31.
Variant type: single nucleotide variant.
Coding change: c.1296C>G on transcript NM_001065.4 (MANE Select); coding-DNA position 1296, C replaced by G.
Protein change: p.Gly432=; no amino-acid change (glycine 432 retained).
Molecular consequence: synonymous variant. On other transcripts: non-coding transcript variant (1).
Genome position (GRCh38, 1-based): chr12:6,329,384, G>C on the plus strand (C>G on the coding strand, the complement: TNFRSF1A is on the minus strand). VCF-style: chr12-6329384-G-C. GRCh37 (hg19) VCF-style: chr12-6438550-G-C.
Other names: c.972C>G, p.Gly324= (NM_001346091.2); c.837C>G, p.Gly279= (NM_001346092.2).
Identifiers: ClinVar variation 1711334 (VCV001711334.30), dbSNP rs914051712, ClinGen allele CA478504511.